The following is an entry in ClinVar:

ClinVar aggregate classification (germline): Conflicting classifications of pathogenicity. Review status: criteria provided, conflicting classifications (1 of 4 stars). 3 submissions from 3 submitters: Uncertain significance (2); Likely benign (1). Last evaluated 2026-03-06.

Conditions:
ALPK3-related disorder. Also called: ALPK3-related condition.
Cardiovascular phenotype. Identifiers: MedGen CN230736.

Allele frequency attached by ClinVar (database versions not stated): gnomAD 0.00001 and 0.00007; gnomAD exomes 0.00001 and 0.00002; ExAC 0.00002; 1000 Genomes Project 30x 0.00078; 1000 Genomes Project 0.00100.

Submissions (3):

PreventionGenetics, part of Exact Sciences
Classification: Uncertain significance for ALPK3-related condition. Last evaluated: 2026-03-06. Review status: criteria provided, single submitter. Criteria: ACMG Guidelines, 2015. Collection method: clinical testing. Allele origin: germline.
Comment: The ALPK3 c.1892T>C variant is predicted to result in the amino acid substitution p.Leu631Pro. To our knowledge, this variant has not been reported in the literature. This variant is reported in 0.019% of alleles in individuals of African descent in gnomAD. At this time, the clinical significance of this variant is uncertain due to the absence of conclusive functional and genetic evidence.

Labcorp Genetics (formerly Invitae), Labcorp
Classification: Uncertain significance. Last evaluated: 2025-12-31. Review status: criteria provided, single submitter. Criteria: Invitae Variant Classification Sherloc (09022015). Collection method: clinical testing. Allele origin: germline.
Comment: This sequence change replaces leucine, which is neutral and non-polar, with proline, which is neutral and non-polar, at codon 631 of the ALPK3 protein (p.Leu631Pro). This variant is present in population databases (rs115200412, gnomAD 0.02%). This variant has not been reported in the literature in individuals affected with ALPK3-related conditions. ClinVar contains an entry for this variant (Variation ID: 1486655). An algorithm developed to predict the effect of missense changes on protein structure and function outputs the following: PolyPhen-2: "Benign". The proline amino acid residue is found in multiple mammalian species, which suggests that this missense change does not adversely affect protein function. In summary, the available evidence is currently insufficient to determine the role of this variant in disease. Therefore, it has been classified as a Variant of Uncertain Significance.

Ambry Genetics
Classification: Likely benign for Cardiovascular phenotype. Last evaluated: 2023-01-20. Review status: criteria provided, single submitter. Criteria: Ambry Variant Classification Scheme 2023. Collection method: clinical testing. Allele origin: germline.

NM_020778.5(ALPK3):c.1286T>C (p.Leu429Pro)

Gene: ALPK3 (alpha kinase 3; plus strand). Cytogenetic location: 15q25.3.
Variant type: single nucleotide variant.
Coding change: c.1286T>C on transcript NM_020778.5 (MANE Select); coding-DNA position 1286, T replaced by C.
Protein change: p.Leu429Pro; replaces leucine 429 with proline.
Molecular consequence: missense variant.
Genome position (GRCh38, 1-based): chr15:84,840,565, T>C. VCF-style: chr15-84840565-T-C. GRCh37 (hg19) VCF-style: chr15-85383796-T-C.
Other names: c.1892T>C (NM_020778.4); short protein forms L429P.
Identifiers: ClinVar variation 1486655 (VCV001486655.9), dbSNP rs115200412, ClinGen allele CA7709158.